The following is an entry in ClinVar:

ClinVar aggregate classification (germline): Likely benign (1 of 4 stars; one submission).

Conditions:
ATXN7-related disorder. Also called: ATXN7-related condition.

gnomAD v4.1: 1,550 of 1,614,110 alleles (0.096%); highest among the groups gnomAD compares: Non-Finnish European, 0.12%; 2 homozygotes.

Submission:

PreventionGenetics, part of Exact Sciences
Classification: Likely benign for ATXN7-related condition. Last evaluated: 2025-03-25. Review status: criteria provided, single submitter. Criteria: ACMG Guidelines, 2015. Collection method: clinical testing. Allele origin: germline.
Comment: This variant is classified as likely benign based on ACMG/AMP sequence variant interpretation guidelines (Richards et al. 2015 PMID: 25741868, with internal and published modifications).

NM_001377405.1(ATXN7):c.1727G>A (p.Arg576His)

Gene: ATXN7 (ataxin 7; plus strand). Cytogenetic location: 3p14.1.
Variant type: single nucleotide variant.
Coding change: c.1727G>A on transcript NM_001377405.1 (MANE Select); coding-DNA position 1727, G replaced by A.
Protein change: p.Arg576His; replaces arginine 576 with histidine.
Molecular consequence: missense variant.
Genome position (GRCh38, 1-based): chr3:63,995,549, G>A. VCF-style: chr3-63995549-G-A. GRCh37 (hg19) VCF-style: chr3-63981225-G-A.
Other names: c.1727G>A, p.Arg576His (NM_000333.4, NM_001177387.1, NM_001377406.1); c.1292G>A, p.Arg431His (NM_001128149.3); short protein forms R431H, R576H.
Identifiers: ClinVar variation 4981680 (VCV004981680.1).